The following is an entry in ClinVar:

NR_001566.3(TERC):n.108_111delCTGA

Genes: TERC (telomerase RNA component; minus strand), LOC110806306 (telomerase RNA component (TERC) promoter; plus strand). Cytogenetic location: 3q26.2.
Variant type: Deletion.
Genome position: GRCh38 VCF-style: chr3-169764947-AAGTC-A. GRCh37 (hg19) VCF-style: chr3-169482735-AAGTC-A.
Identifiers: ClinVar variation 7325 (VCV000007325.12), dbSNP rs199422270, ClinGen allele CA118715.

ClinVar aggregate classification (germline): Pathogenic. Review status: criteria provided, single submitter (1 of 4 stars). 3 submissions from 3 submitters: Pathogenic (1). 2 of the submissions do not count toward it. Last evaluated 2023-02-20.

Conditions:
Pulmonary fibrosis and/or bone marrow failure, Telomere-related, 2. Also called: PULMONARY FIBROSIS AND/OR BONE MARROW FAILURE SYNDROME, TELOMERE-RELATED, 2. Identifiers: Orphanet 88, MedGen C3553622, MONDO:0013879, OMIM 614743.
Dyskeratosis congenita, autosomal dominant 1 (DKCA1). Also called: Dyskeratosis congenita Scoggins type. Identifiers: Orphanet 1775, MedGen C4551974, MONDO:0007485, OMIM 127550. Inheritance: Variable.
Aplastic anemia. Identifiers: Orphanet 182040, Orphanet 88, MedGen C0002874, MONDO:0015909, OMIM 609135, HP:0001915.

Submissions (3):

Labcorp Genetics (formerly Invitae), Labcorp
Classification: Pathogenic for Dyskeratosis congenita, autosomal dominant 1. Last evaluated: 2023-02-20. Review status: criteria provided, single submitter. Criteria: Invitae Variant Classification Sherloc (09022015). Collection method: clinical testing. Allele origin: germline.
Comment: For these reasons, this variant has been classified as Pathogenic. This variant is located in a region of TERC in which a significant number of disease causing variants have been reported (PMID: 15082312, 21844345, 21931702). These observations suggest that this may be a clinically significant region. This variant is located within the template/pseudoknot domain of the TERC RNA component, which is required for RNA or RNP stability (PMID: 15082312, 21844345). Experimental studies have shown that this variant affects TERC RNA function (PMID: 15319288, 17640862, 20022961). Algorithms developed to predict the effect of variants on protein structure and function are not available or were not evaluated for this variant. ClinVar contains an entry for this variant (Variation ID: 7325). This variant has been observed in individual(s) with personal and family history of dyskeratosis congenita, aplastic anemia, and pulmonary fibrosis (PMID: 15098033, 17640862, 22341970, 25612863). This variant is not present in population databases (gnomAD no frequency). This variant occurs in the TERC gene, which encodes an RNA molecule that does not result in a protein product.

GeneReviews
Classification: Pathogenic for Dyskeratosis Congenita. Last evaluated: 2012-05-10. Review status: no assertion criteria provided. Collection method: curation. Allele origin: unknown. Not counted in ClinVar's aggregate classification.
ClinVar note: Converted during submission from pathologic to Pathogenic.

OMIM
Classification: Pathogenic for PULMONARY FIBROSIS AND/OR BONE MARROW FAILURE SYNDROME, TELOMERE-RELATED, 2. Last evaluated: 2002-06-22. Review status: no assertion criteria provided. Collection method: literature only. Allele origin: germline. Not counted in ClinVar's aggregate classification.

Literature cited by the submitters: PubMed 15082312 (cited by Labcorp Genetics (formerly Invitae), Labcorp); PubMed 21844345 (cited by Labcorp Genetics (formerly Invitae), Labcorp); PubMed 21931702 (cited by Labcorp Genetics (formerly Invitae), Labcorp); PubMed 15319288 (cited by Labcorp Genetics (formerly Invitae), Labcorp); PubMed 17640862 (cited by Labcorp Genetics (formerly Invitae), Labcorp); PubMed 20022961 (cited by Labcorp Genetics (formerly Invitae), Labcorp); PubMed 15098033 (cited by Labcorp Genetics (formerly Invitae), Labcorp); PubMed 22341970 (cited by Labcorp Genetics (formerly Invitae), Labcorp); PubMed 25612863 (cited by Labcorp Genetics (formerly Invitae), Labcorp); PubMed 12090986 (cited by OMIM).